The following is an entry in ClinVar:

ClinVar aggregate classification (germline): Pathogenic (1 of 4 stars; one submission).

Conditions:
Familial cancer of breast. Also called: Hereditary breast cancer; BREAST CANCER, FAMILIAL; hereditary breast carcinoma. Identifiers: Orphanet 227535, MedGen C0346153, MONDO:0016419, OMIM 114480. Disease mechanism: loss of function.

Submission:

Labcorp Genetics (formerly Invitae), Labcorp
Classification: Pathogenic for Familial cancer of breast. Last evaluated: 2024-11-05. Review status: criteria provided, single submitter. Criteria: Invitae Variant Classification Sherloc (09022015). Collection method: clinical testing. Allele origin: germline.
Comment: This sequence change creates a premature translational stop signal (p.Arg493*) in the CHEK2 gene. It is expected to result in an absent or disrupted protein product. Loss-of-function variants in CHEK2 are known to be pathogenic (PMID: 21876083, 24713400). This variant is not present in population databases (gnomAD no frequency). This variant has not been reported in the literature in individuals affected with CHEK2-related conditions. For these reasons, this variant has been classified as Pathogenic.

Literature cited by the submitters: PubMed 21876083; PubMed 24713400.

NM_007194.4(CHEK2):c.1477A>T (p.Arg493Ter)

Gene: CHEK2 (checkpoint kinase 2; minus strand). Cytogenetic location: 22q12.1.
Variant type: single nucleotide variant.
Coding change: c.1477A>T on transcript NM_007194.4 (MANE Select); coding-DNA position 1477, A replaced by T.
Protein change: p.Arg493Ter; replaces arginine 493 with a stop codon.
Molecular consequence: nonsense.
Genome position (GRCh38, 1-based): chr22:28,689,200, T>A on the plus strand (A>T on the coding strand, the complement: CHEK2 is on the minus strand). VCF-style: chr22-28689200-T-A. GRCh37 (hg19) VCF-style: chr22-29085188-T-A.
Other names: c.1606A>T, p.Arg536Ter (NM_001005735.3); c.814A>T, p.Arg272Ter (NM_001257387.3); c.1276A>T, p.Arg426Ter (NM_001349956.3); c.1390A>T, p.Arg464Ter (NM_145862.3); short protein forms R272*, R464*, R536*, R426*, R493*.
Identifiers: ClinVar variation 3724693 (VCV003724693.2).
Genomic context (GRCh38, chr22:28,689,200, plus strand): 5'-CTAGAACCTGGGGTAGAGCTGTGGATTCATTTTCCTCAGACAGAAGATCTTGAAACTTTC[T>A]CTTCATGTCTTCATCCTGTGAGGGAATTAAAAACATAAGTAGCTGTGTCTGAAGGATAAT-3'